The following is an entry in ClinVar:

NM_000493.4(COL10A1):c.1762del (p.Ile588fs)

Genes: COL10A1 (collagen type X alpha 1 chain; minus strand), NT5DC1 (5'-nucleotidase domain containing 1; plus strand). Cytogenetic location: 6q22.1.
Variant type: Deletion.
Coding change: c.1762del on transcript NM_000493.4 (MANE Select); coding-DNA position 1762, one base deleted (A; older notation c.1762delA).
Protein change: p.Ile588fs; shifts the reading frame from isoleucine 588.
Molecular consequence: frameshift variant. On other transcripts: intron variant (1).
Genome position (GRCh38, 1-based): chr6:116,120,354, T deleted on the plus strand (A on the coding strand, the reverse complement: COL10A1 is on the minus strand); the first of 2 consecutive T bases (chr6:116,120,354-116,120,355); deleting either gives the same sequence. VCF-style (leftmost placement, unchanged base first): chr6-116120353-AT-A. GRCh37 (hg19) VCF-style: chr6-116441516-AT-A.
Other names: c.1762del, p.Ile588fs (NM_001424106.1, NM_001424107.1); c.529+2410del (NM_152729.3); short protein forms I588fs.
Identifiers: ClinVar variation 4852630 (VCV004852630.2).
Genomic context (GRCh38, chr6:116,120,353, plus strand): 5'-GTCCCTTTCACATGCACGTGGTATGAAAAATAGTATATTCCTGGTATCTGACAAGTAAAG[AT>A]TCCAGTCCTTGGGTCATAATGCTGTTGCCTGTTATACAAAATTTTATCAAATGGTATGGG-3'

ClinVar aggregate classification (germline): Likely pathogenic (1 of 4 stars; one submission).

Submission:

Dasa
Classification: Likely pathogenic. Last evaluated: 2026-04-21. Review status: criteria provided, single submitter. Criteria: DASA Assertion Criteria. Collection method: clinical testing. Allele origin: germline.
Comment: NM_000493.4(COL10A1):c.1762del (p.Ile588Serfs*18) is a frameshift variant in COL10A1 predicted to alter the reading frame and introduce a premature termination codon and is predicted to result in an absent or altered protein product. Loss of function is an established disease mechanism for COL10A1-associated disorders. Also, this variant is absent from population databases. Based on the currently available evidence, this variant is classified as likely pathogenic.